The following is an entry in ClinVar:

ClinVar aggregate classification (germline): Likely benign (0 of 4 stars; one submission).

Conditions:
MPZL2-related disorder. Also called: MPZL2-related condition.

Allele frequency attached by ClinVar (database versions not stated): ExAC 0.00001; gnomAD exomes 0.00001.

Submission:

PreventionGenetics, part of Exact Sciences
Classification: Likely benign for MPZL2-related condition. Last evaluated: 2020-09-14. Review status: no assertion criteria provided. Collection method: clinical testing. Allele origin: germline.
Comment: This variant is classified as likely benign based on ACMG/AMP sequence variant interpretation guidelines (Richards et al. 2015 PMID: 25741868, with internal and published modifications).

NM_005797.4(MPZL2):c.603C>T (p.Leu201=)

Gene: MPZL2 (myelin protein zero like 2; minus strand). Cytogenetic location: 11q23.3.
Variant type: single nucleotide variant.
Coding change: c.603C>T on transcript NM_005797.4 (MANE Select); coding-DNA position 603, C replaced by T.
Protein change: p.Leu201=; no amino-acid change (leucine 201 retained).
Molecular consequence: synonymous variant.
Genome position (GRCh38, 1-based): chr11:118,257,295, G>A on the plus strand (C>T on the coding strand, the complement: MPZL2 is on the minus strand). VCF-style: chr11-118257295-G-A. GRCh37 (hg19) VCF-style: chr11-118128010-G-A.
Other names: c.603C>T, p.Leu201= (NM_144765.3).
Identifiers: ClinVar variation 3036552 (VCV003036552.2), dbSNP rs746150480, ClinGen allele CA6301299.
Genomic context (GRCh38, chr11:118,257,295, plus strand): 5'-TACCATCTAAAATTGTTAGTCTGTGTCTTCTAAATAAACAGAGACCTTTTTCTCTTGGTT[G>A]AGCCTTTCCTCTTCTTTTCTGTAACAAGCAGAAACCAAATGTCAGGTGAACAAGACAAGA-3'
Protein context (NP_005788.1, residues 191-211): VEIKSKEEER[Leu201=]NQEKKVSVYL